The following is an entry in ClinVar:

ClinVar aggregate classification (germline): Uncertain significance. Review status: criteria provided, multiple submitters, no conflicts (2 of 4 stars). 2 submissions from 2 submitters: Uncertain significance (2). Last evaluated 2022-04-20.

Allele frequency attached by ClinVar (database versions not stated): TOPMed below 0.00001; gnomAD exomes below 0.00001.

Submissions (2):

Labcorp Genetics (formerly Invitae), Labcorp
Classification: Uncertain significance. Last evaluated: 2022-04-20. Review status: criteria provided, single submitter. Criteria: Invitae Variant Classification Sherloc (09022015). Collection method: clinical testing. Allele origin: germline.
Comment: The frequency data for this variant in the population databases is considered unreliable, as metrics indicate poor data quality at this position in the gnomAD database. This variant has not been reported in the literature in individuals affected with PDE6C-related conditions. ClinVar contains an entry for this variant (Variation ID: 95348). Algorithms developed to predict the effect of missense changes on protein structure and function are either unavailable or do not agree on the potential impact of this missense change (SIFT: "Deleterious"; PolyPhen-2: "Possibly Damaging"; Align-GVGD: "Class C0"). In summary, the available evidence is currently insufficient to determine the role of this variant in disease. Therefore, it has been classified as a Variant of Uncertain Significance. This sequence change replaces isoleucine, which is neutral and non-polar, with threonine, which is neutral and polar, at codon 296 of the PDE6C protein (p.Ile296Thr).

Eurofins Ntd Llc (ga)
Classification: Uncertain significance. Last evaluated: 2013-08-30. Review status: criteria provided, single submitter. Criteria: EGL Classification Definitions 2015. Collection method: clinical testing. Allele origin: germline. Observed: 1 variant allele, 1 heterozygote.

NM_006204.4(PDE6C):c.887T>C (p.Ile296Thr)

Gene: PDE6C (phosphodiesterase 6C; plus strand). Cytogenetic location: 10q23.33.
Variant type: single nucleotide variant.
Coding change: c.887T>C on transcript NM_006204.4 (MANE Select); coding-DNA position 887, T replaced by C.
Protein change: p.Ile296Thr; replaces isoleucine 296 with threonine.
Molecular consequence: missense variant.
Genome position (GRCh38, 1-based): chr10:93,625,597, T>C. VCF-style: chr10-93625597-T-C. GRCh37 (hg19) VCF-style: chr10-95385354-T-C.
Other names: short protein forms I296T.
Identifiers: ClinVar variation 95348 (VCV000095348.9), dbSNP rs398124218, ClinGen allele CA222913.
Genomic context (GRCh38, chr10:93,625,597, plus strand): 5'-CAGTGTGTTTAATGATACTTAAATCTGATTGCCTCCAGGAATTCTACGATGAATGGCCAA[T>C]CAAGCTTGGAGAAGTAGAGCCTTATAAAGGTCCAAAGACACCTGATGGCAGGGTACGTGC-3'
Protein context (NP_006195.3, residues 286-306): KEKEFYDEWP[Ile296Thr]KLGEVEPYKG